The following is an entry in ClinVar:

NM_206933.4(USH2A):c.2669C>T (p.Thr890Ile)

Genes: USH2A (usherin; minus strand), LOC122152296 (Sharpr-MPRA regulatory region 8762; plus strand). Cytogenetic location: 1q41.
Variant type: single nucleotide variant.
Coding change: c.2669C>T on transcript NM_206933.4 (MANE Select); coding-DNA position 2669, C replaced by T.
Protein change: p.Thr890Ile; replaces threonine 890 with isoleucine.
Molecular consequence: missense variant.
Genome position (GRCh38, 1-based): chr1:216,246,725, G>A on the plus strand (C>T on the coding strand, the complement: USH2A is on the minus strand). VCF-style: chr1-216246725-G-A. GRCh37 (hg19) VCF-style: chr1-216420067-G-A.
Other names: c.2669C>T (NM_206933.2); c.2669C>T, p.Thr890Ile (NM_007123.6); short protein forms T890I.
Identifiers: ClinVar variation 1953029 (VCV001953029.4), dbSNP rs771083549, ClinGen allele CA1396193.
Genomic context (GRCh38, chr1:216,246,725, plus strand): 5'-CCAGGTAATGTCCCCAAGGAATCACACTCACACATCTGGCAGTGTTGAAAATTGTCAATG[G>A]TCAAATTGTACCTGTGAGGCTCACACTGATTACAGCGAAGACCTGTTACCCCTAATTTGC-3'
Protein context (NP_996816.3, residues 880-900): NQCEPHRYNL[Thr890Ile]IDNFQHCQMC

ClinVar aggregate classification (germline): Uncertain significance. Review status: criteria provided, multiple submitters, no conflicts (2 of 4 stars). 2 submissions from 2 submitters: Uncertain significance (2). Last evaluated 2026-06-17.

Conditions:
USH2A-related disorder. Also called: USH2A-related disorders; USH2A-related condition. Identifiers: MedGen CN239332.

Allele frequency attached by ClinVar (database versions not stated): TOPMed below 0.00001; gnomAD 0.00001; ExAC 0.00002.
gnomAD v4.1: 2 of 1,613,990 alleles (0.00012%); highest among the groups gnomAD compares: Non-Finnish European, 0.00017%; no homozygotes.

Submissions (2):

PreventionGenetics, part of Exact Sciences
Classification: Uncertain significance for USH2A-related condition. Last evaluated: 2026-06-17. Review status: criteria provided, single submitter. Criteria: ACMG Guidelines, 2015. Collection method: clinical testing. Allele origin: germline.
Comment: The USH2A c.2669C>T variant is predicted to result in the amino acid substitution p.Thr890Ile. To our knowledge, this variant has not been reported in the literature. This variant is reported in 0.0023% of alleles in individuals of European (Non-Finnish) descent in gnomAD. At this time, the clinical significance of this variant is uncertain due to the absence of conclusive functional and genetic evidence.

Labcorp Genetics (formerly Invitae), Labcorp
Classification: Uncertain significance. Last evaluated: 2022-04-16. Review status: criteria provided, single submitter. Criteria: Invitae Variant Classification Sherloc (09022015). Collection method: clinical testing. Allele origin: germline.
Comment: This sequence change replaces threonine, which is neutral and polar, with isoleucine, which is neutral and non-polar, at codon 890 of the USH2A protein (p.Thr890Ile). This variant is present in population databases (rs771083549, gnomAD 0.002%). This variant has not been reported in the literature in individuals affected with USH2A-related conditions. Algorithms developed to predict the effect of missense changes on protein structure and function output the following: SIFT: "Deleterious"; PolyPhen-2: "Possibly Damaging"; Align-GVGD: "Class C15". The isoleucine amino acid residue is found in multiple mammalian species, which suggests that this missense change does not adversely affect protein function. In summary, the available evidence is currently insufficient to determine the role of this variant in disease. Therefore, it has been classified as a Variant of Uncertain Significance.